The following is an entry in ClinVar:

NM_145290.4(ADGRA3):c.1573C>T (p.Arg525Trp)

Gene: ADGRA3 (adhesion G protein-coupled receptor A3; minus strand). Cytogenetic location: 4p15.2.
Variant type: single nucleotide variant.
Coding change: c.1573C>T on transcript NM_145290.4 (MANE Select); coding-DNA position 1573, C replaced by T.
Protein change: p.Arg525Trp; replaces arginine 525 with tryptophan.
Molecular consequence: missense variant.
Genome position (GRCh38, 1-based): chr4:22,424,223, G>A on the plus strand (C>T on the coding strand, the complement: ADGRA3 is on the minus strand). VCF-style: chr4-22424223-G-A. GRCh37 (hg19) VCF-style: chr4-22425846-G-A.
Other names: c.1573C>T (NM_145290.2); short protein forms R525W.
Identifiers: ClinVar variation 1060195 (VCV001060195.11), dbSNP rs200043303, ClinGen allele CA2873917.

ClinVar aggregate classification (germline): Uncertain significance. Review status: criteria provided, multiple submitters, no conflicts (2 of 4 stars). 3 submissions from 3 submitters: Uncertain significance (3). Last evaluated 2025-11-19.

Conditions:
Retinal dystrophy. Also called: Inherited retinal dystrophy. Identifiers: Orphanet 71862, MedGen C0854723, MeSH D058499, MONDO:0019118, HP:0000556.

Allele frequency attached by ClinVar (database versions not stated): TOPMed 0.00002; gnomAD 0.00009 and 0.00011.
gnomAD v4.1: 128 of 1,612,158 alleles (0.0079%); highest among the groups gnomAD compares: East Asian, 0.0067%; no homozygotes.

Submissions (3):

Labcorp Genetics (formerly Invitae), Labcorp
Classification: Uncertain significance. Last evaluated: 2025-11-19. Review status: criteria provided, single submitter. Criteria: Invitae Variant Classification Sherloc (09022015). Collection method: clinical testing. Allele origin: germline.
Comment: This sequence change replaces arginine, which is basic and polar, with tryptophan, which is neutral and slightly polar, at codon 525 of the ADGRA3 protein (p.Arg525Trp). This variant is present in population databases (rs200043303, gnomAD 0.1%), and has an allele count higher than expected for a pathogenic variant. This variant has not been reported in the literature in individuals affected with ADGRA3-related conditions. ClinVar contains an entry for this variant (Variation ID: 1060195). An algorithm developed to predict the effect of missense changes on protein structure and function (PolyPhen-2) suggests that this variant is likely to be disruptive. In summary, the available evidence is currently insufficient to determine the role of this variant in disease. Therefore, it has been classified as a Variant of Uncertain Significance.

Ambry Genetics
Classification: Uncertain significance. Last evaluated: 2024-08-28. Review status: criteria provided, single submitter. Criteria: Ambry Variant Classification Scheme 2023. Collection method: clinical testing. Allele origin: germline.

Dept Of Ophthalmology, Nagoya University
Classification: Uncertain significance for Retinal dystrophy. Last evaluated: 2023-10-01. Review status: criteria provided, single submitter. Criteria: Submitter's publication. Collection method: research. Allele origin: germline. Affected: yes.